The following is an entry in ClinVar:

ClinVar aggregate classification (germline): Uncertain significance. Review status: criteria provided, multiple submitters, no conflicts (2 of 4 stars). 2 submissions from 2 submitters: Uncertain significance (2). Last evaluated 2025-08-09.

Conditions:
Hereditary cancer-predisposing syndrome. Also called: Tumor predisposition; Hereditary Cancer Syndrome; Hereditary neoplastic syndrome; Neoplastic Syndromes, Hereditary. Identifiers: Orphanet 140162, MedGen C0027672, MeSH D009386, MONDO:0015356.
EGFR-related lung cancer (EGFR). Identifiers: MedGen CN130014.

Submissions (2):

Ambry Genetics
Classification: Uncertain significance for Hereditary cancer-predisposing syndrome. Last evaluated: 2025-08-09. Review status: criteria provided, single submitter. Criteria: Ambry Variant Classification Scheme 2023. Collection method: clinical testing. Allele origin: germline.
Comment: The p.P1170T variant (also known as c.3508C>A), located in coding exon 28 of the EGFR gene, results from a C to A substitution at nucleotide position 3508. The proline at codon 1170 is replaced by threonine, an amino acid with highly similar properties. This amino acid position is conserved. In addition, the in silico prediction for this alteration is inconclusive. Based on the available evidence, the clinical significance of this variant remains unclear.

Labcorp Genetics (formerly Invitae), Labcorp
Classification: Uncertain significance for EGFR-related lung cancer. Last evaluated: 2024-09-25. Review status: criteria provided, single submitter. Criteria: Invitae Variant Classification Sherloc (09022015). Collection method: clinical testing. Allele origin: germline.
Comment: This sequence change replaces proline, which is neutral and non-polar, with threonine, which is neutral and polar, at codon 1170 of the EGFR protein (p.Pro1170Thr). This variant is not present in population databases (gnomAD no frequency). This variant has not been reported in the literature in individuals affected with EGFR-related conditions. An algorithm developed to predict the effect of missense changes on protein structure and function (PolyPhen-2) suggests that this variant is likely to be disruptive. In summary, the available evidence is currently insufficient to determine the role of this variant in disease. Therefore, it has been classified as a Variant of Uncertain Significance.

NM_005228.5(EGFR):c.3508C>A (p.Pro1170Thr)

Gene: EGFR (epidermal growth factor receptor; plus strand). Cytogenetic location: 7p11.2.
Variant type: single nucleotide variant.
Coding change: c.3508C>A on transcript NM_005228.5 (MANE Select); coding-DNA position 3508, C replaced by A.
Protein change: p.Pro1170Thr; replaces proline 1170 with threonine.
Molecular consequence: missense variant.
Genome position (GRCh38, 1-based): chr7:55,205,492, C>A. VCF-style: chr7-55205492-C-A. GRCh37 (hg19) VCF-style: chr7-55273185-C-A.
Other names: c.3373C>A, p.Pro1125Thr (NM_001346899.2); c.3349C>A, p.Pro1117Thr (NM_001346900.2); c.2707C>A, p.Pro903Thr (NM_001346941.2); short protein forms P1117T, P1125T, P1170T, P903T.
Identifiers: ClinVar variation 3721501 (VCV003721501.3).